The following is an entry in ClinVar:

NM_198428.3(BBS9):c.1561C>T (p.Arg521Ter)

Gene: BBS9 (Bardet-Biedl syndrome 9; plus strand). Cytogenetic location: 7p14.3.
Variant type: single nucleotide variant.
Coding change: c.1561C>T on transcript NM_198428.3 (MANE Select); coding-DNA position 1561, C replaced by T.
Protein change: p.Arg521Ter; replaces arginine 521 with a stop codon.
Molecular consequence: nonsense. On other transcripts: non-coding transcript variant (3).
Genome position (GRCh38, 1-based): chr7:33,357,863, C>T. VCF-style: chr7-33357863-C-T. GRCh37 (hg19) VCF-style: chr7-33397475-C-T.
Other names: c.1561C>T (NM_198428.2); c.1456C>T, p.Arg486Ter (NM_001033604.2); c.1546C>T, p.Arg516Ter (NM_001033605.2); c.1561C>T, p.Arg521Ter (NM_001348036.1, NM_001348041.4, NM_001348043.3 and 1 more transcripts); c.1195C>T, p.Arg399Ter (NM_001348037.3, NM_001348045.3, NM_001348046.3); c.1288C>T, p.Arg430Ter (NM_001348038.3); c.1183C>T, p.Arg395Ter (NM_001348039.3); c.1441C>T, p.Arg481Ter (NM_001348040.3, NM_014451.4); and 2 more; short protein forms R476*, R516*, R364*, R486*, R395*, R430*, R521*, R399*.
Identifiers: ClinVar variation 1456527 (VCV001456527.12), dbSNP rs748601675, ClinGen allele CA4214433.

ClinVar aggregate classification (germline): Pathogenic/Likely pathogenic. Review status: criteria provided, multiple submitters, no conflicts (2 of 4 stars). 4 submissions from 4 submitters: Pathogenic (3); Likely pathogenic (1). Last evaluated 2024-11-03.

Conditions:
BBS9-related disorder. Also called: BBS9-related condition.
Bardet-Biedl syndrome 9 (BBS9). Identifiers: Orphanet 110, MedGen C1859567, MONDO:0014437, OMIM 615986.
Bardet-Biedl syndrome (BBS). Identifiers: Orphanet 110, MedGen C0752166, MONDO:0015229.

Allele frequency attached by ClinVar (database versions not stated): gnomAD 0.00001.
gnomAD v4.1: 16 of 1,611,662 alleles (0.00099%); highest among the groups gnomAD compares: South Asian, 0.0022%; no homozygotes.

Submissions (4):

Labcorp Genetics (formerly Invitae), Labcorp
Classification: Pathogenic for Bardet-Biedl syndrome. Last evaluated: 2024-11-03. Review status: criteria provided, single submitter. Criteria: Invitae Variant Classification Sherloc (09022015). Collection method: clinical testing. Allele origin: germline.
Comment: This sequence change creates a premature translational stop signal (p.Arg521*) in the BBS9 gene. It is expected to result in an absent or disrupted protein product. Loss-of-function variants in BBS9 are known to be pathogenic (PMID: 16380913, 20177705). This variant is present in population databases (rs748601675, gnomAD 0.0009%). This premature translational stop signal has been observed in individual(s) with clinical features of Bardet-Biedl syndrome (PMID: 31488071). In at least one individual the data is consistent with being in trans (on the opposite chromosome) from a pathogenic variant. This variant is also known as p.R481X. ClinVar contains an entry for this variant (Variation ID: 1456527). Algorithms developed to predict the effect of sequence changes on RNA splicing suggest that this variant may disrupt the consensus splice site. For these reasons, this variant has been classified as Pathogenic.

Baylor Genetics
Classification: Pathogenic for Bardet-Biedl syndrome 9. Last evaluated: 2023-11-16. Review status: criteria provided, single submitter. Criteria: ACMG Guidelines, 2015. Collection method: clinical testing. Allele origin: unknown.

Clinical Genetics Laboratory, Skane University Hospital Lund
Classification: Likely pathogenic. Last evaluated: 2022-07-13. Review status: criteria provided, single submitter. Criteria: ACMG Guidelines, 2015. Collection method: clinical testing. Allele origin: germline. Affected: yes.

Blueprint Genetics
Classification: Pathogenic for BBS9-related disorders. Last evaluated: 2017-11-15. Review status: criteria provided, single submitter. Criteria: ACMG Guidelines, 2015. Collection method: clinical testing. Allele origin: germline. Affected: yes. Observed: 3 variant alleles.

Literature cited by the submitters: PubMed 16380913 (cited by Labcorp Genetics (formerly Invitae), Labcorp); PubMed 20177705 (cited by Labcorp Genetics (formerly Invitae), Labcorp); PubMed 31488071 (cited by Labcorp Genetics (formerly Invitae), Labcorp).